The following is an entry in ClinVar:

NM_001211.6(BUB1B):c.1405G>A (p.Glu469Lys)

Gene: BUB1B (BUB1 mitotic checkpoint serine/threonine kinase B; plus strand). Cytogenetic location: 15q15.1.
Variant type: single nucleotide variant.
Coding change: c.1405G>A on transcript NM_001211.6 (MANE Select); coding-DNA position 1405, G replaced by A.
Protein change: p.Glu469Lys; replaces glutamic acid 469 with lysine.
Molecular consequence: missense variant.
Genome position (GRCh38, 1-based): chr15:40,200,247, G>A. VCF-style: chr15-40200247-G-A. GRCh37 (hg19) VCF-style: chr15-40492448-G-A.
Other names: short protein forms E469K.
Identifiers: ClinVar variation 4216947 (VCV004216947.1).

ClinVar aggregate classification (germline): Uncertain significance (1 of 4 stars; one submission).

Conditions:
Inborn genetic diseases. Identifiers: MedGen C0950123, MeSH D030342.

gnomAD v4.1: 1 of 1,611,436 alleles (0.000062%); highest among the groups gnomAD compares: Non-Finnish European, 0.000085%; no homozygotes.

Submission:

Ambry Genetics
Classification: Uncertain significance for Inborn genetic diseases. Last evaluated: 2025-07-17. Review status: criteria provided, single submitter. Criteria: Ambry Variant Classification Scheme 2023. Collection method: clinical testing. Allele origin: germline.
Comment: The p.E469K variant (also known as c.1405G>A), located in coding exon 11 of the BUB1B gene, results from a G to A substitution at nucleotide position 1405. The glutamic acid at codon 469 is replaced by lysine, an amino acid with similar properties. This amino acid position is conserved. In addition, this alteration is predicted to be tolerated by in silico analysis. Based on the available evidence, the clinical significance of this variant remains unclear.